The following is an entry in ClinVar:

ClinVar aggregate classification (germline): Conflicting classifications of pathogenicity. Review status: criteria provided, conflicting classifications (1 of 4 stars). 14 submissions from 14 submitters: Uncertain significance (2); Benign (1); Likely benign (6). 5 of the submissions do not count toward it. Last evaluated 2026-01-28.

Conditions:
Inborn genetic diseases. Identifiers: MedGen C0950123, MeSH D030342.
Pitt-Hopkins-like syndrome 2 (PTHSL2). Identifiers: Orphanet 221150, Orphanet 600663, MedGen C3280479, MONDO:0013690, OMIM 614325.
NRXN1-related disorder.
Intellectual disability. Also called: intellectual disabilities; Intellectual functioning disability; Intellectual developmental disorder. Identifiers: MedGen C3714756, MeSH D008607, MONDO:0001071, HP:0001249.

Allele frequency attached by ClinVar (database versions not stated): 1000 Genomes Project 30x 0.00031; 1000 Genomes Project 0.00040; TOPMed 0.00062; gnomAD 0.00069 and 0.00074; gnomAD exomes 0.00093 and 0.00112; ESP Exome Variant Server 0.00125; ExAC 0.00227.
gnomAD v4.1: 1,422 of 1,554,320 alleles (0.091%); highest among the groups gnomAD compares: South Asian, 0.42%; 4 homozygotes.

Submissions (14):

Labcorp Genetics (formerly Invitae), Labcorp
Classification: Likely benign for Pitt-Hopkins-like syndrome 2. Last evaluated: 2026-01-28. Review status: criteria provided, single submitter. Criteria: Invitae Variant Classification Sherloc (09022015). Collection method: clinical testing. Allele origin: germline.

CeGaT Center for Human Genetics Tuebingen
Classification: Likely benign. Last evaluated: 2025-06-01. Review status: criteria provided, single submitter. Criteria: CeGaT Center For Human Genetics Tuebingen Variant Classification Criteria Version 2. Collection method: clinical testing. Allele origin: germline. Affected: yes. Observed: 5 variant alleles.
Comment: NRXN1: BP4, BS1

ARUP Laboratories, Molecular Genetics and Genomics, ARUP Laboratories
Classification: Likely benign. Last evaluated: 2025-03-04. Review status: criteria provided, single submitter. Criteria: ARUP Molecular Germline Variant Investigation Process 2024. Collection method: clinical testing. Allele origin: germline.

Blueprint Genetics
Classification: Likely benign. Last evaluated: 2024-11-25. Review status: criteria provided, single submitter. Criteria: ACMG Guidelines, 2015. Collection method: clinical testing. Allele origin: germline.

Pittsburgh Clinical Genomics Laboratory, University of Pittsburgh Medical Center
Classification: Uncertain significance for Pitt-Hopkins-like syndrome 2. Last evaluated: 2021-08-05. Review status: criteria provided, single submitter. Criteria: ACMG Guidelines, 2015. Collection method: clinical testing. Allele origin: germline. Inheritance: Autosomal recessive inheritance. Affected: yes.
Comment: This sequence variant is a single nucleotide substitution (A>T) 5 base pairs downstream of exon 8 of NRXN1. This is a previously reported variant (ClinVar) that has been reported under a different transcript as c.1158+26A>T. To our knowledge, this variant has not been previously reported in individuals with NRXN1-related disease in the literature and is present in control population datasets (gnomAD database 207/205140 alleles or 0.1%). Bioinformatic tools do not predict a significant effect on splicing; however, this residue is well conserved among the vertebrate species examined. Splicing studies confirming an effect of this variant have not been performed, to our knowledge. At this time, there is insufficient evidence to determine if this variant is pathogenic or benign. Therefore, we consider this a variant of uncertain significance. ACMG Criteria: BP4

Ambry Genetics
Classification: Uncertain significance for Inborn genetic diseases. Last evaluated: 2020-11-23. Review status: criteria provided, single submitter. Criteria: Ambry Variant Classification Scheme 2023. Collection method: clinical testing. Allele origin: germline.
Comment: The c.1278+5A>T intronic alteration consists of an A to T substitution 5 nucleotides after exon 8 (coding exon 7) in the NRXN1 gene. Based on data from the Genome Aggregation Database (gnomAD) database, the NRXN1 c.1278+5A>T alteration was observed in 0.1% (207/205140) of total alleles studied, with a frequency of 0.37% (84/22894) in the South Asian subpopulation. In silico splice site analysis predicts that this alteration will not have any significant effect on splicing. Based on insufficient or conflicting evidence, the clinical significance of this alteration remains unclear.

GeneDx
Classification: Likely benign. Last evaluated: 2020-08-04. Review status: criteria provided, single submitter. Criteria: GeneDx Variant Classification Process June 2021. Collection method: clinical testing. Allele origin: germline. Affected: yes.
Comment: Has not been previously published as pathogenic or benign to our knowledge

Athena Diagnostics
Classification: Benign. Last evaluated: 2018-12-28. Review status: criteria provided, single submitter. Criteria: Athena Diagnostics Criteria. Collection method: clinical testing. Allele origin: germline.

Illumina Laboratory Services, Illumina
Classification: Likely benign for Pitt-Hopkins-like syndrome 2. Last evaluated: 2018-01-12. Review status: criteria provided, single submitter. Criteria: ICSL Variant Classification Criteria 13 December 2019. Collection method: clinical testing. Allele origin: germline.
Comment: This variant was observed in the ICSL laboratory as part of a predisposition screen in an ostensibly healthy population. It had not been previously curated by ICSL or reported in the Human Gene Mutation Database (HGMD: prior to June 1st, 2018), and was therefore a candidate for classification through an automated scoring system. Utilizing variant allele frequency, disease prevalence and penetrance estimates, and inheritance mode, an automated score was calculated to assess if this variant is too frequent to cause the disease. Based on the score and internal cut-off values, a variant classified as likely benign is not then subjected to further curation. The score for this variant resulted in a classification of likely benign for this disease.

PreventionGenetics, part of Exact Sciences
Classification: Likely benign for NRXN1-related condition. Last evaluated: 2021-04-07. Review status: no assertion criteria provided. Collection method: clinical testing. Allele origin: germline. Not counted in ClinVar's aggregate classification.
Comment: This variant is classified as likely benign based on ACMG/AMP sequence variant interpretation guidelines (Richards et al. 2015 PMID: 25741868, with internal and published modifications).

Centre de Biologie Pathologie Génétique, Centre Hospitalier Universitaire de Lille
Classification: Uncertain significance for Intellectual disability. Last evaluated: 2019-01-01. Review status: no assertion criteria provided. Collection method: clinical testing. Allele origin: unknown. Affected: yes. Not counted in ClinVar's aggregate classification.

Genetic Services Laboratory, University of Chicago
Classification: Likely benign. Last evaluated: 2018-09-12. Review status: no assertion criteria provided. Collection method: clinical testing. Allele origin: germline. Affected: yes. Not counted in ClinVar's aggregate classification.

Clinical Genetics DNA and cytogenetics Diagnostics Lab, Erasmus MC, Erasmus Medical Center
Classification: Likely benign. Review status: no assertion criteria provided. Collection method: clinical testing. Allele origin: germline. Affected: yes. Study: VKGL Data-share Consensus. Not counted in ClinVar's aggregate classification.

Diagnostic Laboratory, Department of Genetics, University Medical Center Groningen
Classification: Likely benign. Review status: no assertion criteria provided. Collection method: clinical testing. Allele origin: germline. Affected: yes. Study: VKGL Data-share Consensus. Not counted in ClinVar's aggregate classification.

NM_001330078.2(NRXN1):c.1158+26A>T

Gene: NRXN1 (neurexin 1; minus strand). Cytogenetic location: 2p16.3.
Variant type: single nucleotide variant.
Coding change: c.1158+26A>T on transcript NM_001330078.2 (MANE Select); 26 bases into the intron after coding-DNA position 1158, A replaced by T.
Molecular consequence: intron variant.
Genome position (GRCh38, 1-based): chr2:50,621,200, T>A on the plus strand (A>T on the coding strand, the complement: NRXN1 is on the minus strand). VCF-style: chr2-50621200-T-A. GRCh37 (hg19) VCF-style: chr2-50848338-T-A.
Other names: c.1075-1017A>T (NM_001330096.2, NM_001330087.2); c.1119+5A>T (NM_001330083.2, NM_001330084.2); c.1105-1017A>T (NM_001330088.2); c.1155+26A>T (NM_001330093.2); c.1146+26A>T (NM_001330094.2); c.1135-1017A>T (NM_001330095.2, NM_001330082.2, NM_001330077.2); c.1158+26A>T (NM_001330085.2, NM_004801.6, NM_001330086.2); c.1278+5A>T (NM_001135659.3).
Identifiers: ClinVar variation 129818 (VCV000129818.77), dbSNP rs201802152, ClinGen allele CA231339.